The following is an entry in ClinVar:

NM_006514.4(SCN10A):c.5339C>A (p.Pro1780His)

Gene: SCN10A (sodium voltage-gated channel alpha subunit 10; minus strand). Cytogenetic location: 3p22.2.
Variant type: single nucleotide variant.
Coding change: c.5339C>A on transcript NM_006514.4 (MANE Select); coding-DNA position 5339, C replaced by A.
Protein change: p.Pro1780His; replaces proline 1780 with histidine.
Molecular consequence: missense variant.
Genome position (GRCh38, 1-based): chr3:38,697,881, G>T on the plus strand (C>A on the coding strand, the complement: SCN10A is on the minus strand). VCF-style: chr3-38697881-G-T. GRCh37 (hg19) VCF-style: chr3-38739372-G-T.
Other names: c.5336C>A, p.Pro1779His (NM_001293306.2); c.5045C>A, p.Pro1682His (NM_001293307.2); short protein forms P1682H, P1779H, P1780H.
Identifiers: ClinVar variation 3438114 (VCV003438114.1).
Genomic context (GRCh38, chr3:38,697,881, plus strand): 5'-CAGTGGATCTTATCTCCAGGGACCAAAGGCAGGTCCATCTGGATCAGTATATTTCGATTG[G>T]GTTTTGGGATTCTCAGGGGACCAGAGAGAGTGTCTGCAAAGTCCGAGAGAGCAGAAAAGG-3'
Protein context (NP_006505.4, residues 1770-1790): TLSGPLRIPK[Pro1780His]NRNILIQMDL

ClinVar aggregate classification (germline): Uncertain significance (1 of 4 stars; one submission).

Conditions:
Cardiovascular phenotype. Identifiers: MedGen CN230736.

gnomAD v4.1: 1 of 1,614,024 alleles (0.000062%); highest among the groups gnomAD compares: Non-Finnish European, 0.000085%; no homozygotes.

Submission:

Ambry Genetics
Classification: Uncertain significance for Cardiovascular phenotype. Last evaluated: 2024-09-17. Review status: criteria provided, single submitter. Criteria: Ambry Variant Classification Scheme 2023. Collection method: clinical testing. Allele origin: germline.
Comment: The p.P1780H variant (also known as c.5339C>A), located in coding exon 27 of the SCN10A gene, results from a C to A substitution at nucleotide position 5339. The proline at codon 1780 is replaced by histidine, an amino acid with similar properties. This amino acid position is conserved. In addition, the in silico prediction for this alteration is inconclusive. Based on the available evidence, the clinical significance of this variant remains unclear.